The following is an entry in ClinVar:

ClinVar aggregate classification (germline): Uncertain significance (1 of 4 stars; one submission).

Submission:

GeneDx
Classification: Uncertain significance. Last evaluated: 2024-04-08. Review status: criteria provided, single submitter. Criteria: GeneDx Variant Classification Process June 2021. Collection method: clinical testing. Allele origin: germline. Affected: yes.
Comment: Not observed at significant frequency in large population cohorts (gnomAD); In silico analysis is inconclusive as to whether the variant alters gene splicing. In the absence of RNA/functional studies, the actual effect of this sequence change is unknown.; Has not been previously published as pathogenic or benign to our knowledge

NM_001145809.2(MYH14):c.875-9T>G

Genes: MYH14 (myosin heavy chain 14; plus strand), LOC121852992 (Sharpr-MPRA regulatory region 11309; plus strand). Cytogenetic location: 19q13.33.
Variant type: single nucleotide variant.
Coding change: c.875-9T>G on transcript NM_001145809.2 (MANE Select); 9 bases into the intron before coding-DNA position 875, T replaced by G.
Molecular consequence: intron variant.
Genome position (GRCh38, 1-based): chr19:50,230,516, T>G. VCF-style: chr19-50230516-T-G. GRCh37 (hg19) VCF-style: chr19-50733773-T-G.
Other names: c.875-9T>G (NM_001077186.2); c.851-9T>G (NM_024729.4).
Identifiers: ClinVar variation 3371956 (VCV003371956.1).